The following is an entry in ClinVar:

NM_004006.3(DMD):c.9224+5G>A

Gene: DMD (dystrophin; minus strand). Cytogenetic location: Xp21.2.
Variant type: single nucleotide variant.
Coding change: c.9224+5G>A on transcript NM_004006.3 (MANE Select); 5 bases into the intron after coding-DNA position 9224, G replaced by A.
Molecular consequence: intron variant.
Genome position (GRCh38, 1-based): chrX:31,323,593, C>T on the plus strand (G>A on the coding strand, the complement: DMD is on the minus strand). VCF-style: chrX-31323593-C-T. GRCh37 (hg19) VCF-style: chrX-31341710-C-T.
Other names: c.9200+5G>A (NM_000109.4); c.5201+5G>A (NM_004011.4); c.5192+5G>A (NM_004012.4); c.1844+5G>A (NM_004023.3, NM_004020.4, NM_004022.3 and 2 more transcripts); c.1037+5G>A (NM_004014.3); c.9212+5G>A (NM_004009.3); c.8855+5G>A (NM_004010.3); c.9224+5G>A (NM_004006.2).
Identifiers: ClinVar variation 1213207 (VCV001213207.8), dbSNP rs1556503812, ClinGen allele CA2499226622.

ClinVar aggregate classification (germline): Likely pathogenic. Review status: criteria provided, multiple submitters, no conflicts (2 of 4 stars). 3 submissions from 3 submitters: Likely pathogenic (3). Last evaluated 2024-07-30.

Conditions:
Duchenne muscular dystrophy (DMD). Also called: MUSCULAR DYSTROPHY, PSEUDOHYPERTROPHIC PROGRESSIVE, DUCHENNE TYPE; Duchenne Muscular Dystrophy (DMD). Identifiers: Orphanet 98896, MedGen C0013264, MONDO:0010679, OMIM 310200.

Submissions (3):

3billion
Classification: Likely pathogenic for Duchenne muscular dystrophy. Last evaluated: 2024-07-30. Review status: criteria provided, single submitter. Criteria: ACMG Guidelines, 2015. Collection method: clinical testing. Allele origin: germline. Affected: yes.
Comment: The variant is not observed in the gnomAD v4.0.0 dataset. In silico tools predict the variant to alter splicing and produce an abnormal transcript [SpliceAI: 0.91 (>=0.2)]. The variant has been reported at least twice as pathogenic with clinical assertions and evidence for the classification (ClinVar ID: VCV001213207). Therefore, this variant is classified as likely pathogenic according to the recommendation of ACMG/AMP guideline.

Revvity Omics, Revvity
Classification: Likely pathogenic. Last evaluated: 2022-11-29. Review status: criteria provided, single submitter. Criteria: ACMG Guidelines, 2015. Collection method: clinical testing. Allele origin: germline.

GeneDx
Classification: Likely pathogenic. Last evaluated: 2019-10-15. Review status: criteria provided, single submitter. Criteria: GeneDx Variant Classification Process June 2021. Collection method: clinical testing. Allele origin: germline. Affected: yes.
Comment: Intronic +5 splice site variant in a gene for which loss-of-function is a known mechanism of disease, and both in silico predictors and evolutionary conservation support a deleterious effect; Not observed in large population cohorts (Lek et al., 2016); This variant is associated with the following publications: (PMID: 7668256, 27350676)